The following is an entry in ClinVar:

NM_021072.4(HCN1):c.1304A>G (p.Tyr435Cys)

Gene: HCN1 (hyperpolarization activated cyclic nucleotide gated potassium channel 1; minus strand). Cytogenetic location: 5p12.
Variant type: single nucleotide variant.
Coding change: c.1304A>G on transcript NM_021072.4 (MANE Select); coding-DNA position 1304, A replaced by G.
Protein change: p.Tyr435Cys; replaces tyrosine 435 with cysteine.
Molecular consequence: missense variant.
Genome position (GRCh38, 1-based): chr5:45,353,173, T>C on the plus strand (A>G on the coding strand, the complement: HCN1 is on the minus strand). VCF-style: chr5-45353173-T-C. GRCh37 (hg19) VCF-style: chr5-45353275-T-C.
Other names: short protein forms Y435C.
Identifiers: ClinVar variation 3720645 (VCV003720645.2).

ClinVar aggregate classification (germline): Uncertain significance (1 of 4 stars; one submission).

Conditions:
Early-infantile DEE. Also called: Ohtahara syndrome; Early infantile epileptic encephalopathy with suppression bursts; Early infantile epileptic encephalopathy. Identifiers: Orphanet 1934, MedGen C0393706, MONDO:0800491.

gnomAD v4.1: 1 of 1,609,702 alleles (0.000062%); no homozygotes.

Submission:

Labcorp Genetics (formerly Invitae), Labcorp
Classification: Uncertain significance for Early-infantile DEE. Last evaluated: 2024-12-10. Review status: criteria provided, single submitter. Criteria: Invitae Variant Classification Sherloc (09022015). Collection method: clinical testing. Allele origin: germline.
Comment: This sequence change replaces tyrosine, which is neutral and polar, with cysteine, which is neutral and slightly polar, at codon 435 of the HCN1 protein (p.Tyr435Cys). This variant is not present in population databases (gnomAD no frequency). This variant has not been reported in the literature in individuals affected with HCN1-related conditions. Invitae Evidence Modeling of protein sequence and biophysical properties (such as structural, functional, and spatial information, amino acid conservation, physicochemical variation, residue mobility, and thermodynamic stability) has been performed for this missense variant. However, the output from this modeling did not meet the statistical confidence thresholds required to predict the impact of this variant on HCN1 protein function. In summary, the available evidence is currently insufficient to determine the role of this variant in disease. Therefore, it has been classified as a Variant of Uncertain Significance.